The following is an entry in ClinVar:

NM_001386140.1(MTTP):c.1636_1637dup (p.Ile547fs)

Gene: MTTP (microsomal triglyceride transfer protein; plus strand). Cytogenetic location: 4q23.
Variant type: Duplication.
Coding change: c.1636_1637dup on transcript NM_001386140.1 (MANE Select); coding-DNA positions 1636 to 1637, 2 bases duplicated (AT; older notation c.1636_1637dupAT).
Protein change: p.Ile547fs; shifts the reading frame from isoleucine 547.
Molecular consequence: frameshift variant.
Genome position (GRCh38, 1-based): chr4:99,608,844-99,608,845, AT duplicated; duplicating any 2 consecutive bases within chr4:99,608,843-99,608,845 gives the same sequence; the c. name uses the placement nearest the transcript's 3' end. VCF-style (leftmost placement, unchanged base first): chr4-99608842-C-CTA. GRCh37 (hg19) VCF-style: chr4-100529999-C-CTA.
Other names: c.1636_1637dup, p.Ile547fs (NM_000253.4); c.1387_1388dup, p.Ile464fs (NM_001300785.2); short protein forms I464fs, I547fs.
Identifiers: ClinVar variation 1385779 (VCV001385779.8), dbSNP rs2110230146, ClinGen allele CA2573138384.

ClinVar aggregate classification (germline): Pathogenic/Likely pathogenic. Review status: criteria provided, multiple submitters, no conflicts (2 of 4 stars). 3 submissions from 3 submitters: Pathogenic (2); Likely pathogenic (1). Last evaluated 2024-05-14.

Conditions:
Abetalipoproteinaemia (ABL). Also called: Abetalipoproteinemia; Abetalipoproteinemia neuropathy; Apolipoprotein B deficiency; Congenital betalipoprotein deficiency syndrome; MTP DEFICIENCY. Identifiers: Orphanet 14, MedGen C0000744, MONDO:0008692, OMIM 200100, HP:0008181.
Metabolic syndrome X (AOMS1). Also called: Abdominal obesity-metabolic syndrome 1. Identifiers: MedGen C4552048, MONDO:0011565, OMIM 605552.

Submissions (3):

Myriad Genetics, Inc.
Classification: Pathogenic for Abetalipoproteinaemia. Last evaluated: 2024-05-14. Review status: criteria provided, single submitter. Criteria: Myriad Autosomal Dominant, Autosomal Recessive and X-Linked Classification Criteria (2023). Collection method: clinical testing. Allele origin: unknown.
Comment: NM_000253.2(MTTP):c.1636_1637dupAT(I547Sfs*3) is expected to be pathogenic in the context of abetalipoproteinemia. This variant is predicted to lead to an abnormal or absent protein product due to the creation of a premature termination codon in MTTP, a gene where loss-of-function variants are known to be pathogenic. Please note: this variant was assessed in the context of healthy population screening.

Fulgent Genetics
Classification: Likely pathogenic for Abetalipoproteinaemia; Metabolic syndrome X. Last evaluated: 2022-02-01. Review status: criteria provided, single submitter. Criteria: ACMG Guidelines, 2015. Collection method: clinical testing. Allele origin: unknown.

Labcorp Genetics (formerly Invitae), Labcorp
Classification: Pathogenic. Last evaluated: 2021-06-28. Review status: criteria provided, single submitter. Criteria: Invitae Variant Classification Sherloc (09022015). Collection method: clinical testing. Allele origin: germline.
Comment: This variant has not been reported in the literature in individuals affected with MTTP-related conditions. For these reasons, this variant has been classified as Pathogenic. This variant is not present in population databases (ExAC no frequency). This sequence change creates a premature translational stop signal (p.Ile547Serfs*3) in the MTTP gene. It is expected to result in an absent or disrupted protein product. Loss-of-function variants in MTTP are known to be pathogenic (PMID: 8533758, 9671739).

Literature cited by the submitters: PubMed 8533758 (cited by Labcorp Genetics (formerly Invitae), Labcorp); PubMed 9671739 (cited by Labcorp Genetics (formerly Invitae), Labcorp).